The following is an entry in ClinVar:

ClinVar aggregate classification (germline): Benign. Review status: criteria provided, multiple submitters, no conflicts (2 of 4 stars). 2 submissions from 2 submitters: Benign (2). Last evaluated 2018-01-12.

Conditions:
Doyne honeycomb retinal dystrophy (DHRD). Also called: DOYNE HONEYCOMB DEGENERATION OF RETINA; MALATTIA LEVENTINESE; DRUSEN, RADIAL, AUTOSOMAL DOMINANT. Identifiers: Orphanet 75376, MedGen C1832174, MONDO:0007471, OMIM 126600.

Allele frequency attached by ClinVar (database versions not stated): 1000 Genomes Project 30x 0.04388; 1000 Genomes Project 0.04453; TOPMed 0.08137; gnomAD 0.08221 and 0.08390.

Submissions (2):

Illumina Laboratory Services, Illumina
Classification: Benign for Doyne honeycomb retinal dystrophy. Last evaluated: 2018-01-12. Review status: criteria provided, single submitter. Criteria: ICSL Variant Classification Criteria 13 December 2019. Collection method: clinical testing. Allele origin: germline.
Comment: This variant was observed in the ICSL laboratory as part of a predisposition screen in an ostensibly healthy population. It had not been previously curated by ICSL or reported in the Human Gene Mutation Database (HGMD: prior to June 1st, 2018), and was therefore a candidate for classification through an automated scoring system. Utilizing variant allele frequency, disease prevalence and penetrance estimates, and inheritance mode, an automated score was calculated to assess if this variant is too frequent to cause the disease. Based on the score and internal cut-off values, a variant classified as benign is not then subjected to further curation. The score for this variant resulted in a classification of benign for this disease.

Breakthrough Genomics
Classification: Benign. Review status: criteria provided, single submitter. Criteria: ACMG Guidelines, 2015. Collection method: not provided. Allele origin: germline. Inheritance: Autosomal dominant inheritance. Affected: yes.

NM_001039348.3(EFEMP1):c.*1004C>G

Gene: EFEMP1 (EGF-like fibulin extracellular matrix protein 1; minus strand). Cytogenetic location: 2p16.1.
Variant type: single nucleotide variant.
Coding change: c.*1004C>G on transcript NM_001039348.3 (MANE Select); 1004 bases downstream of the stop codon, C replaced by G.
Molecular consequence: 3 prime UTR variant.
Genome position (GRCh38, 1-based): chr2:55,866,069, G>C on the plus strand (C>G on the coding strand, the complement: EFEMP1 is on the minus strand). VCF-style: chr2-55866069-G-C. GRCh37 (hg19) VCF-style: chr2-56093204-G-C.
Other names: c.*1004C>G (NM_001039349.3).
Identifiers: ClinVar variation 336608 (VCV000336608.6), dbSNP rs1802575, ClinGen allele CA10613683.